The following is an entry in ClinVar:

NM_032043.3(BRIP1):c.3433G>A (p.Glu1145Lys)

Gene: BRIP1 (BRCA1 interacting DNA helicase 1; minus strand). Cytogenetic location: 17q23.2.
Variant type: single nucleotide variant.
Coding change: c.3433G>A on transcript NM_032043.3 (MANE Select); coding-DNA position 3433, G replaced by A.
Protein change: p.Glu1145Lys; replaces glutamic acid 1145 with lysine.
Molecular consequence: missense variant.
Genome position (GRCh38, 1-based): chr17:61,683,613, C>T on the plus strand (G>A on the coding strand, the complement: BRIP1 is on the minus strand). VCF-style: chr17-61683613-C-T. GRCh37 (hg19) VCF-style: chr17-59760974-C-T.
Other names: short protein forms E1145K.
Identifiers: ClinVar variation 2774979 (VCV002774979.2), dbSNP rs1378029485, ClinGen allele CA400478737.

ClinVar aggregate classification (germline): Uncertain significance (1 of 4 stars; one submission).

Conditions:
Hereditary cancer-predisposing syndrome. Also called: Neoplastic Syndromes, Hereditary; Tumor predisposition; Hereditary Cancer Syndrome; Hereditary neoplastic syndrome. Identifiers: Orphanet 140162, MedGen C0027672, MeSH D009386, MONDO:0015356.

Submission:

Color Diagnostics, LLC DBA Color Health
Classification: Uncertain significance for Hereditary cancer-predisposing syndrome. Last evaluated: 2024-03-06. Review status: criteria provided, single submitter. Criteria: ACMG Guidelines, 2015. Collection method: clinical testing. Allele origin: germline.
Comment: This missense variant replaces glutamic acid with lysine at codon 1145 of the BRIP1 protein. Computational prediction suggests that this variant may not impact protein structure and function (internally defined REVEL score threshold <= 0.5, PMID: 27666373). To our knowledge, functional studies have not been reported for this variant. This variant has not been reported in individuals affected with hereditary cancer in the literature. This variant has not been identified in the general population by the Genome Aggregation Database (gnomAD). The available evidence is insufficient to determine the role of this variant in disease conclusively. Therefore, this variant is classified as a Variant of Uncertain Significance.